The following is an entry in ClinVar:

ClinVar aggregate classification (germline): Uncertain significance (1 of 4 stars; one submission).

Conditions:
Progressive microcephaly-seizures-cortical blindness-developmental delay syndrome. Also called: Seizures, cortical blindness, and microcephaly syndrome. Identifiers: Orphanet 477814, MedGen C5567650, MONDO:0014714, OMIM 616632.
Autosomal dominant nonsyndromic hearing loss 1. Also called: KONIGSMARK SYNDROME; DEAFNESS, AUTOSOMAL DOMINANT 1, WITH OR WITHOUT THROMBOCYTOPENIA. Identifiers: Orphanet 90635, MedGen C1852282, MONDO:0007424, OMIM 124900.

gnomAD v4.1: 17 of 1,613,764 alleles (0.0011%); highest among the groups gnomAD compares: South Asian, 0.0022%; no homozygotes.

Submission:

Labcorp Genetics (formerly Invitae), Labcorp
Classification: Uncertain significance for Progressive microcephaly-seizures-cortical blindness-developmental delay syndrome; Autosomal dominant nonsyndromic hearing loss 1. Last evaluated: 2023-12-07. Review status: criteria provided, single submitter. Criteria: Invitae Variant Classification Sherloc (09022015). Collection method: clinical testing. Allele origin: germline.
Comment: This sequence change replaces arginine, which is basic and polar, with glutamine, which is neutral and polar, at codon 932 of the DIAPH1 protein (p.Arg932Gln). This variant is present in population databases (rs370578225, gnomAD 0.003%). This variant has not been reported in the literature in individuals affected with DIAPH1-related conditions. ClinVar contains an entry for this variant (Variation ID: 1013727). An algorithm developed to predict the effect of missense changes on protein structure and function (PolyPhen-2) suggests that this variant is likely to be disruptive. In summary, the available evidence is currently insufficient to determine the role of this variant in disease. Therefore, it has been classified as a Variant of Uncertain Significance.

NM_005219.5(DIAPH1):c.2795G>A (p.Arg932Gln)

Gene: DIAPH1 (diaphanous related formin 1; minus strand). Cytogenetic location: 5q31.3.
Variant type: single nucleotide variant.
Coding change: c.2795G>A on transcript NM_005219.5 (MANE Select); coding-DNA position 2795, G replaced by A.
Protein change: p.Arg932Gln; replaces arginine 932 with glutamine.
Molecular consequence: missense variant.
Genome position (GRCh38, 1-based): chr5:141,528,925, C>T on the plus strand (G>A on the coding strand, the complement: DIAPH1 is on the minus strand). VCF-style: chr5-141528925-C-T. GRCh37 (hg19) VCF-style: chr5-140908492-C-T.
Other names: c.2768G>A, p.Arg923Gln (NM_001079812.3); c.2795G>A, p.Arg932Gln (NM_001314007.2); short protein forms R923Q, R932Q.
Identifiers: ClinVar variation 1013727 (VCV001013727.9), dbSNP rs370578225, ClinGen allele CA3478949.